The following is an entry in ClinVar:

NM_001365999.1(SZT2):c.4342C>T (p.Arg1448Cys)

Gene: SZT2 (SZT2 subunit of KICSTOR complex; plus strand). Cytogenetic location: 1p34.2.
Variant type: single nucleotide variant.
Coding change: c.4342C>T on transcript NM_001365999.1 (MANE Select); coding-DNA position 4342, C replaced by T.
Protein change: p.Arg1448Cys; replaces arginine 1448 with cysteine.
Molecular consequence: missense variant.
Genome position (GRCh38, 1-based): chr1:43,430,044, C>T. VCF-style: chr1-43430044-C-T. GRCh37 (hg19) VCF-style: chr1-43895715-C-T.
Other names: c.4171C>T, p.Arg1391Cys (NM_015284.4); short protein forms R1391C, R1448C.
Identifiers: ClinVar variation 411923 (VCV000411923.20), dbSNP rs140004653, ClinGen allele CA809254.

ClinVar aggregate classification (germline): Conflicting classifications of pathogenicity. Review status: criteria provided, conflicting classifications (1 of 4 stars). 5 submissions from 5 submitters: Uncertain significance (3); Likely benign (1). 1 of the submissions does not count toward it. Last evaluated 2026-10-15.

Conditions:
Inborn genetic diseases. Identifiers: MedGen C0950123, MeSH D030342.
SZT2-related disorder. Also called: SZT2-related condition.
Developmental and epileptic encephalopathy, 18 (DEE18). Also called: Early infantile epileptic encephalopathy 18. Identifiers: Orphanet 369894, MedGen C3809624, MONDO:0014201, OMIM 615476.

Allele frequency attached by ClinVar (database versions not stated): ExAC 0.00039; 1000 Genomes Project 0.00040; gnomAD 0.00061 and 0.00059; ESP Exome Variant Server 0.00115; gnomAD exomes 0.00037; 1000 Genomes Project 30x 0.00031; TOPMed 0.00074.
gnomAD v4.1: 377 of 1,614,160 alleles (0.023%); highest among the groups gnomAD compares: African/African-American, 0.15%; no homozygotes.

Submissions (5):

GeneDx
Classification: Uncertain significance. Last evaluated: 2026-10-15. Review status: criteria provided, single submitter. Criteria: GeneDx Variant Classification Process June 2021. Collection method: clinical testing. Allele origin: germline.
Comment: In silico analysis supports that this missense variant has a deleterious effect on protein structure/function; Has not been previously published as pathogenic or benign to our knowledge

Labcorp Genetics (formerly Invitae), Labcorp
Classification: Likely benign. Last evaluated: 2026-01-21. Review status: criteria provided, single submitter. Criteria: Invitae Variant Classification Sherloc (09022015). Collection method: clinical testing. Allele origin: germline.

Fulgent Genetics
Classification: Uncertain significance for Developmental and epileptic encephalopathy, 18. Last evaluated: 2018-10-31. Review status: criteria provided, single submitter. Criteria: ACMG Guidelines, 2015. Collection method: clinical testing. Allele origin: unknown.

Ambry Genetics
Classification: Uncertain significance for Inborn genetic diseases. Last evaluated: 2017-07-28. Review status: criteria provided, single submitter. Criteria: Ambry Variant Classification Scheme 2023. Collection method: clinical testing. Allele origin: germline.
Comment: The p.R1391C variant (also known as c.4171C>T), located in coding exon 29 of the SZT2 gene, results from a C to T substitution at nucleotide position 4171. The arginine at codon 1391 is replaced by cysteine, an amino acid with highly dissimilar properties. This amino acid position is not well conserved in available vertebrate species. In addition, this alteration is predicted to be tolerated by in silico analysis. Since supporting evidence is limited at this time, the clinical significance of this alteration remains unclear.

PreventionGenetics, part of Exact Sciences
Classification: Likely benign for SZT2-related condition. Last evaluated: 2020-08-31. Review status: no assertion criteria provided. Collection method: clinical testing. Allele origin: germline. Not counted in ClinVar's aggregate classification.
Comment: This variant is classified as likely benign based on ACMG/AMP sequence variant interpretation guidelines (Richards et al. 2015 PMID: 25741868, with internal and published modifications).